The following is an entry in ClinVar:

NM_017757.3(ZNF407):c.6703G>A (p.Ala2235Thr)

Gene: ZNF407 (zinc finger protein 407; plus strand). Cytogenetic location: 18q22.3.
Variant type: single nucleotide variant.
Coding change: c.6703G>A on transcript NM_017757.3 (MANE Select); coding-DNA position 6703, G replaced by A.
Protein change: p.Ala2235Thr; replaces alanine 2235 with threonine.
Molecular consequence: missense variant.
Genome position (GRCh38, 1-based): chr18:75,064,424, G>A. VCF-style: chr18-75064424-G-A. GRCh37 (hg19) VCF-style: chr18-72776380-G-A.
Other names: c.6703G>A, p.Ala2235Thr (NM_001384475.1); short protein forms A2235T.
Identifiers: ClinVar variation 3252566 (VCV003252566.1), dbSNP rs1343737759.

ClinVar aggregate classification (germline): Uncertain significance (1 of 4 stars; one submission).

Allele frequency attached by ClinVar (database versions not stated): gnomAD exomes 0.00001.
gnomAD v4.1: 3 of 1,517,050 alleles (0.0002%); highest among the groups gnomAD compares: South Asian, 0.0013%; no homozygotes.

Submission:

GeneDx
Classification: Uncertain significance. Last evaluated: 2023-10-23. Review status: criteria provided, single submitter. Criteria: GeneDx Variant Classification Process June 2021. Collection method: clinical testing. Allele origin: germline. Affected: yes.
Comment: In silico analysis supports that this missense variant does not alter protein structure/function; Has not been previously published as pathogenic or benign to our knowledge